The following is an entry in ClinVar:

NM_030665.4(RAI1):c.3915C>T (p.Ala1305=)

Gene: RAI1 (retinoic acid induced 1; plus strand). Cytogenetic location: 17p11.2.
Variant type: single nucleotide variant.
Coding change: c.3915C>T on transcript NM_030665.4 (MANE Select); coding-DNA position 3915, C replaced by T.
Protein change: p.Ala1305=; no amino-acid change (alanine 1305 retained).
Molecular consequence: synonymous variant.
Genome position (GRCh38, 1-based): chr17:17,796,863, C>T. VCF-style: chr17-17796863-C-T. GRCh37 (hg19) VCF-style: chr17-17700177-C-T.
Other names: c.3915C>T (NM_030665.3).
Identifiers: ClinVar variation 1621547 (VCV001621547.10), dbSNP rs373267008, ClinGen allele CA8418864.

ClinVar aggregate classification (germline): Likely benign. Review status: criteria provided, single submitter (1 of 4 stars). 2 submissions from 2 submitters: Likely benign (1). 1 of the submissions does not count toward it. Last evaluated 2025-08-22.

Conditions:
RAI1-related disorder. Also called: RAI1-related condition.

Allele frequency attached by ClinVar (database versions not stated): TOPMed 0.00009; gnomAD 0.00011; ESP Exome Variant Server 0.00008; gnomAD exomes 0.00006 and 0.00016; ExAC 0.00006.
gnomAD v4.1: 244 of 1,612,968 alleles (0.015%); highest among the groups gnomAD compares: Non-Finnish European, 0.019%; no homozygotes.

Submissions (2):

Labcorp Genetics (formerly Invitae), Labcorp
Classification: Likely benign. Last evaluated: 2025-08-22. Review status: criteria provided, single submitter. Criteria: Invitae Variant Classification Sherloc (09022015). Collection method: clinical testing. Allele origin: germline.

PreventionGenetics, part of Exact Sciences
Classification: Likely benign for RAI1-related condition. Last evaluated: 2019-04-10. Review status: no assertion criteria provided. Collection method: clinical testing. Allele origin: germline. Not counted in ClinVar's aggregate classification.
Comment: This variant is classified as likely benign based on ACMG/AMP sequence variant interpretation guidelines (Richards et al. 2015 PMID: 25741868, with internal and published modifications).